The following is an entry in ClinVar:

NM_001128431.4(SLC39A14):c.80A>G (p.Glu27Gly)

Gene: SLC39A14 (solute carrier family 39 member 14; plus strand). Cytogenetic location: 8p21.3.
Variant type: single nucleotide variant.
Coding change: c.80A>G on transcript NM_001128431.4 (MANE Select); coding-DNA position 80, A replaced by G.
Protein change: p.Glu27Gly; replaces glutamic acid 27 with glycine.
Molecular consequence: missense variant.
Genome position (GRCh38, 1-based): chr8:22,404,790, A>G. VCF-style: chr8-22404790-A-G. GRCh37 (hg19) VCF-style: chr8-22262303-A-G.
Other names: c.80A>G, p.Glu27Gly (NM_001351660.2, NM_015359.6, NM_001135153.3 and 3 more transcripts); c.110A>G, p.Glu37Gly (NM_001351657.2, NM_001351658.2, NM_001351659.2); short protein forms E27G, E37G.
Identifiers: ClinVar variation 2052276 (VCV002052276.4), dbSNP rs1168239133, ClinGen allele CA370522059.
Genomic context (GRCh38, chr8:22,404,790, plus strand): 5'-ACCCGGCCTTCCAGAGCTGCCTCCTGCTGACCCTGCTTGGCTTATGGAGAACCACCCCTG[A>G]GGCTCACGCTTCATCCCTGGGTGCACCAGCTATCAGCGCTGCCTCCTTCCTGCAGGATCT-3'
Protein context (NP_001121903.1, residues 17-37): TLLGLWRTTP[Glu27Gly]AHASSLGAPA

ClinVar aggregate classification (germline): Uncertain significance (1 of 4 stars; one submission).

Allele frequency attached by ClinVar (database versions not stated): TOPMed 0.00002; gnomAD 0.00003; gnomAD exomes 0.00003.
gnomAD v4.1: 59 of 1,613,290 alleles (0.0037%); highest among the groups gnomAD compares: Non-Finnish European, 0.0043%; no homozygotes.

Submission:

Labcorp Genetics (formerly Invitae), Labcorp
Classification: Uncertain significance. Last evaluated: 2022-06-27. Review status: criteria provided, single submitter. Criteria: Invitae Variant Classification Sherloc (09022015). Collection method: clinical testing. Allele origin: germline.
Comment: In summary, the available evidence is currently insufficient to determine the role of this variant in disease. Therefore, it has been classified as a Variant of Uncertain Significance. Algorithms developed to predict the effect of missense changes on protein structure and function output the following: SIFT: "Tolerated"; PolyPhen-2: "Benign"; Align-GVGD: "Class C0". The glycine amino acid residue is found in multiple mammalian species, which suggests that this missense change does not adversely affect protein function. This variant has not been reported in the literature in individuals affected with SLC39A14-related conditions. This variant is not present in population databases (gnomAD no frequency). This sequence change replaces glutamic acid, which is acidic and polar, with glycine, which is neutral and non-polar, at codon 27 of the SLC39A14 protein (p.Glu27Gly).